The following is an entry in ClinVar:

NM_000465.4(BARD1):c.1760A>T (p.Glu587Val)

Gene: BARD1 (BRCA1 associated RING domain 1; minus strand). Cytogenetic location: 2q35.
Variant type: single nucleotide variant.
Coding change: c.1760A>T on transcript NM_000465.4 (MANE Select); coding-DNA position 1760, A replaced by T.
Protein change: p.Glu587Val; replaces glutamic acid 587 with valine.
Molecular consequence: missense variant. On other transcripts: non-coding transcript variant (3), intron variant (1).
Genome position (GRCh38, 1-based): chr2:214,745,772, T>A on the plus strand (A>T on the coding strand, the complement: BARD1 is on the minus strand). VCF-style: chr2-214745772-T-A. GRCh37 (hg19) VCF-style: chr2-215610496-T-A.
Other names: c.1703A>T, p.Glu568Val (NM_001282543.2); c.407A>T, p.Glu136Val (NM_001282545.2); c.350A>T, p.Glu117Val (NM_001282548.2); c.365-15264A>T (NM_001282549.2); short protein forms E136V, E587V, E117V, E568V.
Identifiers: ClinVar variation 1779568 (VCV001779568.6), dbSNP rs1422200312, ClinGen allele CA350452845.

ClinVar aggregate classification (germline): Uncertain significance. Review status: criteria provided, multiple submitters, no conflicts (2 of 4 stars). 2 submissions from 2 submitters: Uncertain significance (2). Last evaluated 2025-11-24.

Conditions:
Hereditary cancer-predisposing syndrome. Also called: Neoplastic Syndromes, Hereditary; Tumor predisposition; Hereditary Cancer Syndrome; Hereditary neoplastic syndrome. Identifiers: Orphanet 140162, MedGen C0027672, MeSH D009386, MONDO:0015356.
Familial cancer of breast. Also called: BREAST CANCER, FAMILIAL; Hereditary breast cancer; hereditary breast carcinoma. Identifiers: Orphanet 227535, MedGen C0346153, MONDO:0016419, OMIM 114480. Disease mechanism: loss of function.

Submissions (2):

Labcorp Genetics (formerly Invitae), Labcorp
Classification: Uncertain significance for Familial cancer of breast. Last evaluated: 2025-11-24. Review status: criteria provided, single submitter. Criteria: Invitae Variant Classification Sherloc (09022015). Collection method: clinical testing. Allele origin: germline.
Comment: This sequence change replaces glutamic acid, which is acidic and polar, with valine, which is neutral and non-polar, at codon 587 of the BARD1 protein (p.Glu587Val). This variant is not present in population databases (gnomAD no frequency). This variant has not been reported in the literature in individuals affected with BARD1-related conditions. ClinVar contains an entry for this variant (Variation ID: 1779568). An algorithm developed to predict the effect of missense changes on protein structure and function (PolyPhen-2) suggests that this variant is likely to be disruptive. In summary, the available evidence is currently insufficient to determine the role of this variant in disease. Therefore, it has been classified as a Variant of Uncertain Significance.

Ambry Genetics
Classification: Uncertain significance for Hereditary cancer-predisposing syndrome. Last evaluated: 2025-06-13. Review status: criteria provided, single submitter. Criteria: Ambry Variant Classification Scheme 2023. Collection method: clinical testing. Allele origin: germline.
Comment: The p.E587V variant (also known as c.1760A>T), located in coding exon 8 of the BARD1 gene, results from an A to T substitution at nucleotide position 1760. The glutamic acid at codon 587 is replaced by valine, an amino acid with dissimilar properties. This amino acid position is not well conserved in available vertebrate species. In addition, this alteration is predicted to be tolerated by in silico analysis. Since supporting evidence is limited at this time, the clinical significance of this alteration remains unclear.